The following is an entry in ClinVar:

ClinVar aggregate classification (germline): Uncertain significance (1 of 4 stars; one submission).

Conditions:
NLRP3-related disorder. Also called: NLRP3-related condition; NLRP3-Related Disorders.

Allele frequency attached by ClinVar (database versions not stated): gnomAD exomes below 0.00001.
gnomAD v4.1: 2 of 1,614,118 alleles (0.00012%); highest among the groups gnomAD compares: Non-Finnish European, 0.00017%; no homozygotes.

Submission:

PreventionGenetics, part of Exact Sciences
Classification: Uncertain significance for NLRP3-related condition. Last evaluated: 2023-03-03. Review status: criteria provided, single submitter. Criteria: ACMG Guidelines, 2015. Collection method: clinical testing. Allele origin: germline.
Comment: The NLRP3 c.2160G>T variant is predicted to result in the amino acid substitution p.Leu720Phe. To our knowledge, this variant has not been reported in the literature or in a large population database, indicating this variant is rare. At this time, the clinical significance of this variant is uncertain due to the absence of conclusive functional and genetic evidence.

NM_001243133.2(NLRP3):c.2154G>T (p.Leu718Phe)

Gene: NLRP3 (NLR family pyrin domain containing 3; plus strand). Cytogenetic location: 1q44.
Variant type: single nucleotide variant.
Coding change: c.2154G>T on transcript NM_001243133.2 (MANE Select); coding-DNA position 2154, G replaced by T.
Protein change: p.Leu718Phe; replaces leucine 718 with phenylalanine.
Molecular consequence: missense variant. On other transcripts: intron variant (2).
Genome position (GRCh38, 1-based): chr1:247,429,588, G>T. VCF-style: chr1-247429588-G-T. GRCh37 (hg19) VCF-style: chr1-247592890-G-T.
Other names: c.2154G>T, p.Leu718Phe (NM_001079821.3, NM_001127461.3); c.2160G>T, p.Leu720Phe (NM_004895.5); c.2150+3989G>T (NM_001127462.3, NM_183395.3); short protein forms L718F, L720F.
Identifiers: ClinVar variation 2630133 (VCV002630133.1), dbSNP rs2527318962, ClinGen allele CA345558918.